The following is an entry in ClinVar:

ClinVar aggregate classification (germline): Uncertain significance (1 of 4 stars; one submission).

Conditions:
Angelman syndrome (AS). Also called: HAPPY PUPPET SYNDROME. Identifiers: Orphanet 72, MedGen C0162635, MONDO:0007113, OMIM 105830. Disease mechanism: loss of function. Inheritance: imprinting disorder, AS is caused by disruption of maternally imprinted UBE3A located within the 15q11.2-q13 Angelman syndrome/Prader-Willi syndrome (AS/PWS) region..

Allele frequency attached by ClinVar (database versions not stated): gnomAD exomes below 0.00001.
gnomAD v4.1: 2 of 1,613,282 alleles (0.00012%); highest among the groups gnomAD compares: Non-Finnish European, 0.00017%; no homozygotes.

Submission:

Labcorp Genetics (formerly Invitae), Labcorp
Classification: Uncertain significance for Angelman syndrome. Last evaluated: 2024-07-01. Review status: criteria provided, single submitter. Criteria: Invitae Variant Classification Sherloc (09022015). Collection method: clinical testing. Allele origin: germline.
Comment: This sequence change replaces isoleucine, which is neutral and non-polar, with serine, which is neutral and polar, at codon 698 of the UBE3A protein (p.Ile698Ser). This variant is not present in population databases (gnomAD no frequency). This variant has not been reported in the literature in individuals affected with UBE3A-related conditions. ClinVar contains an entry for this variant (Variation ID: 2144771). Advanced modeling of protein sequence and biophysical properties (such as structural, functional, and spatial information, amino acid conservation, physicochemical variation, residue mobility, and thermodynamic stability) performed at Invitae indicates that this missense variant is expected to disrupt UBE3A protein function with a positive predictive value of 95%. In summary, the available evidence is currently insufficient to determine the role of this variant in disease. Therefore, it has been classified as a Variant of Uncertain Significance.

NM_130839.5(UBE3A):c.2153T>G (p.Ile718Ser)

Genes: SNHG14 (small nucleolar RNA host gene 14; plus strand), UBE3A (ubiquitin protein ligase E3A; minus strand). Cytogenetic location: 15q11.2.
Variant type: single nucleotide variant.
Coding change: c.2153T>G on transcript NM_130839.5 (MANE Select); coding-DNA position 2153, T replaced by G.
Protein change: p.Ile718Ser; replaces isoleucine 718 with serine.
Molecular consequence: missense variant. On other transcripts: non-coding transcript variant (1), intron variant (3).
Genome position (GRCh38, 1-based): chr15:25,354,655, A>C on the plus strand (T>G on the coding strand, the complement: UBE3A is on the minus strand). VCF-style: chr15-25354655-A-C. GRCh37 (hg19) VCF-style: chr15-25599802-A-C.
Other names: c.2162T>G, p.Ile721Ser (NM_000462.5); c.2153T>G, p.Ile718Ser (NM_001354505.1, NM_001354538.2); c.2093T>G, p.Ile698Ser (NM_001354506.2, NM_001354507.2, NM_001354508.2 and 14 more transcripts); c.1976T>G, p.Ile659Ser (NM_001354546.2); c.1928T>G, p.Ile643Ser (NM_001354549.2); c.902T>G, p.Ile301Ser (NM_001354550.2); c.842T>G, p.Ile281Ser (NM_001354551.2); c.2065-229T>G (NM_001354548.2, NM_001354547.2); and 1 more; short protein forms I718S, I301S, I643S, I659S, I698S, I721S, I281S.
Identifiers: ClinVar variation 2144771 (VCV002144771.4), dbSNP rs2552186641, ClinGen allele CA391351891.